The following is an entry in ClinVar:

ClinVar aggregate classification (germline): Likely benign (1 of 4 stars; one submission).

Allele frequency attached by ClinVar (database versions not stated): 1000 Genomes Project 30x 0.00094; ESP Exome Variant Server 0.00108.
gnomAD v4.1: 1,371 of 1,611,804 alleles (0.085%); highest among the groups gnomAD compares: Middle Eastern, 0.74%; 17 homozygotes.

Submission:

CeGaT Center for Human Genetics Tuebingen
Classification: Likely benign. Last evaluated: 2023-04-01. Review status: criteria provided, single submitter. Criteria: CeGaT Center For Human Genetics Tuebingen Variant Classification Criteria Version 2. Collection method: clinical testing. Allele origin: germline. Affected: yes. Observed: 1 variant allele.
Comment: RNF19A: BS2

NM_183419.4(RNF19A):c.1202G>A (p.Arg401His)

Gene: RNF19A (ring finger protein 19A, RBR E3 ubiquitin protein ligase; minus strand). Cytogenetic location: 8q22.2.
Variant type: single nucleotide variant.
Coding change: c.1202G>A on transcript NM_183419.4 (MANE Select); coding-DNA position 1202, G replaced by A.
Protein change: p.Arg401His; replaces arginine 401 with histidine.
Molecular consequence: missense variant.
Genome position (GRCh38, 1-based): chr8:100,264,775, C>T on the plus strand (G>A on the coding strand, the complement: RNF19A is on the minus strand). VCF-style: chr8-100264775-C-T. GRCh37 (hg19) VCF-style: chr8-101277003-C-T.
Other names: c.1202G>A, p.Arg401His (NM_001280539.2, NM_001353837.2, NM_001353838.2 and 1 more transcripts); short protein forms R401H.
Identifiers: ClinVar variation 2658713 (VCV002658713.24), dbSNP rs138968684, ClinGen allele CA4828138.